The following is an entry in ClinVar:

ClinVar aggregate classification (germline): Uncertain significance (1 of 4 stars; one submission).

Allele frequency attached by ClinVar (database versions not stated): gnomAD 0.00001.
gnomAD v4.1: 1 of 1,614,060 alleles (0.000062%); highest among the groups gnomAD compares: Non-Finnish European, 0.000085%; no homozygotes.

Submission:

Labcorp Genetics (formerly Invitae), Labcorp
Classification: Uncertain significance. Last evaluated: 2019-12-31. Review status: criteria provided, single submitter. Criteria: Invitae Variant Classification Sherloc (09022015). Collection method: clinical testing. Allele origin: germline.
Comment: In summary, the available evidence is currently insufficient to determine the role of this variant in disease. Therefore, it has been classified as a Variant of Uncertain Significance. Algorithms developed to predict the effect of missense changes on protein structure and function are either unavailable or do not agree on the potential impact of this missense change (SIFT: "Deleterious"; PolyPhen-2: "Possibly Damaging"; Align-GVGD: "Class C15"). This variant has not been reported in the literature in individuals with LRP5-related conditions. This variant is not present in population databases (ExAC no frequency). This sequence change replaces isoleucine with phenylalanine at codon 558 of the LRP5 protein (p.Ile558Phe). The isoleucine residue is highly conserved and there is a small physicochemical difference between isoleucine and phenylalanine.

NM_002335.4(LRP5):c.1672A>T (p.Ile558Phe)

Gene: LRP5 (LDL receptor related protein 5; plus strand). Cytogenetic location: 11q13.2.
Variant type: single nucleotide variant.
Coding change: c.1672A>T on transcript NM_002335.4 (MANE Select); coding-DNA position 1672, A replaced by T.
Protein change: p.Ile558Phe; replaces isoleucine 558 with phenylalanine.
Molecular consequence: missense variant. On other transcripts: 5 prime UTR variant (1).
Genome position (GRCh38, 1-based): chr11:68,403,570, A>T. VCF-style: chr11-68403570-A-T. GRCh37 (hg19) VCF-style: chr11-68171038-A-T.
Other names: c.-266A>T (NM_001291902.2); short protein forms I558F.
Identifiers: ClinVar variation 839539 (VCV000839539.9), dbSNP rs2098653869, ClinGen allele CA381614267.